The following is an entry in ClinVar:

ClinVar aggregate classification (germline): Uncertain significance (1 of 4 stars; one submission).

Conditions:
Familial thoracic aortic aneurysm and aortic dissection (TAAD). Also called: Thoracic aortic aneurysms and dissections. Identifiers: Orphanet 91387, MedGen C4707243, MONDO:0019625.

Submission:

Ambry Genetics
Classification: Uncertain significance for Familial thoracic aortic aneurysm and aortic dissection. Last evaluated: 2021-11-24. Review status: criteria provided, single submitter. Criteria: Ambry Variant Classification Scheme 2023. Collection method: clinical testing. Allele origin: germline.
Comment: The p.G920A variant (also known as c.2759G>C), located in coding exon 18 of the NOTCH1 gene, results from a G to C substitution at nucleotide position 2759. The glycine at codon 920 is replaced by alanine, an amino acid with similar properties. This amino acid position is conserved. In addition, this alteration is predicted to be deleterious by in silico analysis. Since supporting evidence is limited at this time, the clinical significance of this alteration remains unclear.

NM_017617.5(NOTCH1):c.2759G>C (p.Gly920Ala)

Gene: NOTCH1 (notch receptor 1; minus strand). Cytogenetic location: 9q34.3.
Variant type: single nucleotide variant.
Coding change: c.2759G>C on transcript NM_017617.5 (MANE Select); coding-DNA position 2759, G replaced by C.
Protein change: p.Gly920Ala; replaces glycine 920 with alanine.
Molecular consequence: missense variant.
Genome position (GRCh38, 1-based): chr9:136,509,943, C>G on the plus strand (G>C on the coding strand, the complement: NOTCH1 is on the minus strand). VCF-style: chr9-136509943-C-G. GRCh37 (hg19) VCF-style: chr9-139404395-C-G.
Other names: short protein forms G920A.
Identifiers: ClinVar variation 1795643 (VCV001795643.2), dbSNP rs1158774637, ClinGen allele CA375554691.